The following is an entry in ClinVar:

ClinVar aggregate classification (germline): Uncertain significance. Review status: criteria provided, multiple submitters, no conflicts (2 of 4 stars). 2 submissions from 2 submitters: Uncertain significance (2). Last evaluated 2023-04-03.

Conditions:
Duchenne muscular dystrophy (DMD). Also called: Duchenne Muscular Dystrophy (DMD); MUSCULAR DYSTROPHY, PSEUDOHYPERTROPHIC PROGRESSIVE, DUCHENNE TYPE. Identifiers: Orphanet 98896, MedGen C0013264, MONDO:0010679, OMIM 310200.

Allele frequency attached by ClinVar (database versions not stated): gnomAD exomes below 0.00001; TOPMed below 0.00001.
gnomAD v4.1: 2 of 1,208,118 alleles (0.00017%); highest among the groups gnomAD compares: Middle Eastern, 0.023%; no homozygotes.

Submissions (2):

Labcorp Genetics (formerly Invitae), Labcorp
Classification: Uncertain significance for Duchenne muscular dystrophy. Last evaluated: 2023-04-03. Review status: criteria provided, single submitter. Criteria: Invitae Variant Classification Sherloc (09022015). Collection method: clinical testing. Allele origin: germline.
Comment: In summary, the available evidence is currently insufficient to determine the role of this variant in disease. Therefore, it has been classified as a Variant of Uncertain Significance. Advanced modeling of protein sequence and biophysical properties (such as structural, functional, and spatial information, amino acid conservation, physicochemical variation, residue mobility, and thermodynamic stability) performed at Invitae indicates that this missense variant is not expected to disrupt DMD protein function. ClinVar contains an entry for this variant (Variation ID: 285547). This variant has not been reported in the literature in individuals affected with DMD-related conditions. The frequency data for this variant in the population databases is considered unreliable, as metrics indicate poor data quality at this position in the gnomAD database. This sequence change replaces lysine, which is basic and polar, with glutamic acid, which is acidic and polar, at codon 1213 of the DMD protein (p.Lys1213Glu).

Eurofins Ntd Llc (ga)
Classification: Uncertain significance. Last evaluated: 2016-02-01. Review status: criteria provided, single submitter. Criteria: EGL Classification Definitions 2015. Collection method: clinical testing. Allele origin: germline. Observed: 1 variant allele, 1 hemizygote.

NM_004006.3(DMD):c.3637A>G (p.Lys1213Glu)

Gene: DMD (dystrophin; minus strand). Cytogenetic location: Xp21.1.
Variant type: single nucleotide variant.
Coding change: c.3637A>G on transcript NM_004006.3 (MANE Select); coding-DNA position 3637, A replaced by G.
Protein change: p.Lys1213Glu; replaces lysine 1213 with glutamic acid.
Molecular consequence: missense variant.
Genome position (GRCh38, 1-based): chrX:32,448,605, T>C on the plus strand (A>G on the coding strand, the complement: DMD is on the minus strand). VCF-style: chrX-32448605-T-C. GRCh37 (hg19) VCF-style: chrX-32466722-T-C.
Other names: c.3613A>G, p.Lys1205Glu (NM_000109.4); c.3625A>G, p.Lys1209Glu (NM_004009.3); c.3268A>G, p.Lys1090Glu (NM_004010.3); short protein forms K1213E, K1205E, K1209E, K1090E.
Identifiers: ClinVar variation 285547 (VCV000285547.11), dbSNP rs886043133, ClinGen allele CA10605148.